The following is an entry in ClinVar:

ClinVar aggregate classification (germline): Uncertain significance (1 of 4 stars; one submission).

Conditions:
Early-infantile DEE. Also called: Ohtahara syndrome; Early infantile epileptic encephalopathy; Early infantile epileptic encephalopathy with suppression bursts. Identifiers: Orphanet 1934, MedGen C0393706, MONDO:0800491.

gnomAD v4.1: 1 of 1,614,000 alleles (0.000062%); highest among the groups gnomAD compares: East Asian, 0.0022%; no homozygotes.

Submission:

Labcorp Genetics (formerly Invitae), Labcorp
Classification: Uncertain significance for Early-infantile DEE. Last evaluated: 2022-05-17. Review status: criteria provided, single submitter. Criteria: Invitae Variant Classification Sherloc (09022015). Collection method: clinical testing. Allele origin: germline.
Comment: This variant is not present in population databases (gnomAD no frequency). This sequence change replaces serine, which is neutral and polar, with glycine, which is neutral and non-polar, at codon 658 of the SPTAN1 protein (p.Ser658Gly). This variant has not been reported in the literature in individuals affected with SPTAN1-related conditions. In summary, the available evidence is currently insufficient to determine the role of this variant in disease. Therefore, it has been classified as a Variant of Uncertain Significance. Algorithms developed to predict the effect of missense changes on protein structure and function (SIFT, PolyPhen-2, Align-GVGD) all suggest that this variant is likely to be tolerated.

NM_001130438.3(SPTAN1):c.1972A>G (p.Ser658Gly)

Gene: SPTAN1 (spectrin alpha, non-erythrocytic 1; plus strand). Cytogenetic location: 9q34.11.
Variant type: single nucleotide variant.
Coding change: c.1972A>G on transcript NM_001130438.3 (MANE Select); coding-DNA position 1972, A replaced by G.
Protein change: p.Ser658Gly; replaces serine 658 with glycine.
Molecular consequence: missense variant.
Genome position (GRCh38, 1-based): chr9:128,583,242, A>G. VCF-style: chr9-128583242-A-G. GRCh37 (hg19) VCF-style: chr9-131345521-A-G.
Other names: c.1972A>G, p.Ser658Gly (NM_001195532.2, NM_001363759.2, NM_001363765.2 and 5 more transcripts); c.2008A>G, p.Ser670Gly (NM_001375312.2, NM_001375318.1); short protein forms S658G, S670G.
Identifiers: ClinVar variation 1995575 (VCV001995575.4), dbSNP rs772073109, ClinGen allele CA375055844.
Genomic context (GRCh38, chr9:128,583,242, plus strand): 5'-CTGATTGATGTCAACCACTATGCCAAGGATGAAGTGGCAGCTCGTATGAATGAGGTGATC[A>G]GTTTGTGGAAGAAACTGCTAGAGGCCACTGAACTGAAAGGTAAGAGATGTTCCATTGAAT-3'
Protein context (NP_001123910.1, residues 648-668): EVAARMNEVI[Ser658Gly]LWKKLLEATE